The following is an entry in ClinVar:

NM_001723.7(DST):c.7771A>C (p.Thr2591Pro)

Gene: DST (dystonin; minus strand). Cytogenetic location: 6p12.1.
Variant type: single nucleotide variant.
Coding change: c.7771A>C on transcript NM_001723.7 (MANE Plus Clinical); coding-DNA position 7771, A replaced by C.
Protein change: p.Thr2591Pro; replaces threonine 2591 with proline.
Molecular consequence: missense variant. On other transcripts: intron variant (10).
Genome position (GRCh38, 1-based): chr6:56,615,696, T>G on the plus strand (A>C on the coding strand, the complement: DST is on the minus strand). VCF-style: chr6-56615696-T-G. GRCh37 (hg19) VCF-style: chr6-56480494-T-G.
Other names: c.4831-1212A>C (NM_001144769.5); c.4930-1212A>C (NM_001374722.1, NM_001374736.1); c.4957-1212A>C (NM_001374734.1); c.4417-1212A>C (NM_001144770.2); c.4297-1212A>C (NM_001374730.1, NM_001386100.1, NM_183380.4 and 1 more transcripts); c.3319-1212A>C (NM_015548.5); short protein forms T2591P.
Identifiers: ClinVar variation 958696 (VCV000958696.10), dbSNP rs2098607301, ClinGen allele CA364562284.

ClinVar aggregate classification (germline): Uncertain significance (1 of 4 stars; one submission).

Conditions:
Epidermolysis bullosa simplex 3, localized or generalized intermediate, with BP230 deficiency (EBS3). Also called: Epidermolysis bullosa simplex due to BP230 deficiency; Epidermolysis bullosa simplex, autosomal recessive 2. Identifiers: Orphanet 412181, MedGen C3809470, MONDO:0014180, OMIM 615425.
Hereditary sensory and autonomic neuropathy type 6. Also called: Neuropathy, hereditary sensory and autonomic, type VI; HSAN VI. Identifiers: Orphanet 314381, MedGen C3539003, MONDO:0013839, OMIM 614653.

Allele frequency attached by ClinVar (database versions not stated): TOPMed below 0.00001.
gnomAD v4.1: 1 of 1,614,212 alleles (0.000062%); no homozygotes.

Submission:

Labcorp Genetics (formerly Invitae), Labcorp
Classification: Uncertain significance for Epidermolysis bullosa simplex 3, localized or generalized intermediate, with BP230 deficiency; Hereditary sensory and autonomic neuropathy type 6. Last evaluated: 2019-10-24. Review status: criteria provided, single submitter. Criteria: Invitae Variant Classification Sherloc (09022015). Collection method: clinical testing. Allele origin: germline.
Comment: In summary, the available evidence is currently insufficient to determine the role of this variant in disease. Therefore, it has been classified as a Variant of Uncertain Significance. Algorithms developed to predict the effect of missense changes on protein structure and function are either unavailable or do not agree on the potential impact of this missense change (SIFT: "Deleterious"; PolyPhen-2: "Benign"; Align-GVGD: "Class C0"). This variant has not been reported in the literature in individuals with DST-related conditions. This variant is not present in population databases (ExAC no frequency). This sequence change replaces threonine with proline at codon 2591 of the DST protein (p.Thr2591Pro). The threonine residue is weakly conserved and there is a small physicochemical difference between threonine and proline.